The following is an entry in ClinVar:

ClinVar aggregate classification (germline): Pathogenic. Review status: criteria provided, multiple submitters, no conflicts (2 of 4 stars). 11 submissions from 11 submitters: Pathogenic (11). Last evaluated 2025-10-31.

Conditions:
Juvenile myelomonocytic leukemia (JMML). Also called: LEUKEMIA, JUVENILE MYELOMONOCYTIC, SOMATIC. Identifiers: Orphanet 86834, MedGen C0349639, MONDO:0011908, OMIM 607785, HP:0012209.
Neurofibromatosis, type 1 (NF1). Also called: VON RECKLINGHAUSEN DISEASE; Neurofibromatosis, type I; NEUROFIBROMATOSIS, TYPE I, SOMATIC; Peripheral type neurofibromatosis. Identifiers: Orphanet 636, MedGen C0027831, MONDO:0018975, OMIM 162200. Disease mechanism: loss of function.
Neurofibromatosis, familial spinal (FSNF). Identifiers: Orphanet 636, MedGen C1834235, MONDO:0008078, OMIM 162210. Disease mechanism: loss of function.
Neurofibromatosis-Noonan syndrome (NFNS). Also called: NEUROFIBROMATOSIS WITH NOONAN PHENOTYPE. Identifiers: Orphanet 638, MedGen C2931482, MONDO:0011035, OMIM 601321. Disease mechanism: loss of function.
Café-au-lait macules with pulmonary stenosis (WTSN). Also called: PULMONIC STENOSIS WITH CAFE-AU-LAIT SPOTS. Identifiers: MedGen C0553586, MONDO:0008672, OMIM 193520.
Hereditary cancer-predisposing syndrome. Also called: Neoplastic Syndromes, Hereditary; Hereditary neoplastic syndrome; Hereditary Cancer Syndrome; Tumor predisposition. Identifiers: Orphanet 140162, MedGen C0027672, MeSH D009386, MONDO:0015356.
Cardiovascular phenotype. Identifiers: MedGen CN230736.

Submissions (11):

3billion
Classification: Pathogenic for Neurofibromatosis, type 1. Last evaluated: 2025-10-31. Review status: criteria provided, single submitter. Criteria: ACMG Guidelines, 2015. Collection method: clinical testing. Allele origin: germline. Affected: yes.
Comment: The variant is observed at an extremely low frequency in the gnomAD v4.1.0 dataset (total allele frequency: <0.001%). Predicted Consequence/Location: Frameshift: predicted to result in a loss or disruption of normal protein function through nonsense-mediated decay (NMD) or protein truncation. Multiple pathogenic variants are reported downstream of the variant. The variant has been reported at least twice as pathogenic with clinical assertions and evidence for the classification (ClinVar ID: VCV000661667 /PMID: 12112660 /3billion dataset). Therefore, this variant is classified as Pathogenic according to the recommendation of ACMG/AMP guideline.

Labcorp Genetics (formerly Invitae), Labcorp
Classification: Pathogenic for Neurofibromatosis, type 1. Last evaluated: 2025-07-09. Review status: criteria provided, single submitter. Criteria: Invitae Variant Classification Sherloc (09022015). Collection method: clinical testing. Allele origin: germline.
Comment: This sequence change creates a premature translational stop signal (p.Leu2398Glyfs*2) in the NF1 gene. It is expected to result in an absent or disrupted protein product. Loss-of-function variants in NF1 are known to be pathogenic (PMID: 10712197, 23913538). This variant is not present in population databases (gnomAD no frequency). This premature translational stop signal has been observed in individual(s) with neurofibromatosis type I (PMID: 12112660, 16786508). Invitae Evidence Modeling of clinical and family history, age, sex, and reported ancestry of multiple individuals with this NF1 variant has been performed. This variant is expected to be pathogenic with a positive predictive value of at least 99%. This is a validated machine learning model that incorporates the clinical features of 1,785,918 individuals referred to our laboratory for NF1 testing. ClinVar contains an entry for this variant (Variation ID: 661667). For these reasons, this variant has been classified as Pathogenic.

Institute of Medical Genetics and Applied Genomics, University Hospital Tübingen
Classification: Pathogenic for Neurofibromatosis, type 1. Last evaluated: 2025-04-03. Review status: criteria provided, single submitter. Criteria: ACMG Guidelines, 2015. Collection method: clinical testing. Allele origin: germline. Inheritance: Autosomal dominant inheritance. Affected: yes.

ARUP Laboratories, Molecular Genetics and Genomics, ARUP Laboratories
Classification: Pathogenic. Last evaluated: 2024-09-19. Review status: criteria provided, single submitter. Criteria: ARUP Molecular Germline Variant Investigation Process 2024. Collection method: clinical testing. Allele origin: germline.
Comment: The NF1 c.7255_7256del; p.Leu2419GlyfsTer2 variant, also known as c.7192_7193del in transcript NM_000267.3 or as 7190del, is reported in the literature in several individuals affected with neurofibromatosis type 1 (Origone 2002, Upadhyaya 2006). This variant is absent from the Genome Aggregation Database (v2.1.1), indicating it is not a common polymorphism. This variant causes a frameshift by deleting two nucleotides, so it is predicted to result in a truncated protein or mRNA subject to nonsense-mediated decay. Based on available information, this variant is considered to be pathogenic. References: Origone P et al. Ten novel mutations in the human neurofibromatosis type 1 (NF1) gene in Italian patients. Hum Mutat. 2002 Jul;20(1):74-5. PMID: 12112660 Upadhyaya M et al. The heterogeneous nature of germline mutations in NF1 patients with malignant peripheral serve sheath tumours (MPNSTs). Hum Mutat. 2006 Jul;27(7):716. PMID: 16786508

GeneDx
Classification: Pathogenic. Last evaluated: 2023-03-14. Review status: criteria provided, single submitter. Criteria: GeneDx Variant Classification Process June 2021. Collection method: clinical testing. Allele origin: germline. Affected: yes.
Comment: Frameshift variant predicted to result in protein truncation or nonsense mediated decay in a gene for which loss-of-function is a known mechanism of disease; Not observed at significant frequency in large population cohorts (gnomAD); This variant is associated with the following publications: (PMID: 12112660, 31766501, 16786508, 31776437, 34233200)

Ambry Genetics
Classification: Pathogenic for Cardiovascular phenotype; Hereditary cancer-predisposing syndrome. Last evaluated: 2022-11-30. Review status: criteria provided, single submitter. Criteria: Ambry Variant Classification Scheme 2023. Collection method: clinical testing. Allele origin: germline.
Comment: The c.7192_7193delCT pathogenic mutation, located in coding exon 48 of the NF1 gene, results from a deletion of two nucleotides at nucleotide positions 7192 to 7193, causing a translational frameshift with a predicted alternate stop codon (p.L2398Gfs*2). This alteration has been identified in multiple individuals with a confirmed or suspected clinical diagnosis of neurofibromatosis type 1 (Origone P et al. Hum Mutat, 2002 Jul;20:74-5; Upadhyaya M et al. Hum Mutat, 2006 Jul;27:716; Pasmant E et al. Eur J Hum Genet, 2015 May;23:596-601; Melloni G et al. Cancers (Basel), 2019 Nov;11; Kang E et al. J Hum Genet, 2020 Jan;65:79-89). This alteration is also referred to as 7190delCT in the literature. In addition to the clinical data presented in the literature, this alteration is expected to result in loss of function by premature protein truncation or nonsense-mediated mRNA decay. As such, this alteration is interpreted as a disease-causing mutation.

Genome-Nilou Lab
Classification: Pathogenic for Neurofibromatosis, type 1. Last evaluated: 2022-03-15. Review status: criteria provided, single submitter. Criteria: ACMG Guidelines, 2015. Collection method: clinical testing. Allele origin: germline. Affected: no.

Baylor Genetics
Classification: Pathogenic for Juvenile myelomonocytic leukemia. Last evaluated: 2022-02-03. Review status: criteria provided, single submitter. Criteria: ACMG Guidelines, 2015. Collection method: clinical testing. Allele origin: unknown.

MGZ Medical Genetics Center
Classification: Pathogenic for Neurofibromatosis, type 1. Last evaluated: 2021-08-20. Review status: criteria provided, single submitter. Criteria: ACMG Guidelines, 2015. Collection method: clinical testing. Allele origin: germline. Affected: yes. Observed: 1 variant allele.
Comment: ACMG criteria applied: PVS1, PS4, PM2_SUP

Genome Diagnostics Laboratory, The Hospital for Sick Children
Classification: Pathogenic for Neurofibromatosis, type 1. Last evaluated: 2020-10-26. Review status: criteria provided, single submitter. Criteria: ACMG Guidelines, 2015. Collection method: clinical testing. Allele origin: germline. Affected: yes.

Juno Genomics, Hangzhou Juno Genomics, Inc
Classification: Pathogenic for Neurofibromatosis, type 1; Juvenile myelomonocytic leukemia; Neurofibromatosis, familial spinal; Neurofibromatosis-Noonan syndrome; Café-au-lait macules with pulmonary stenosis. Review status: criteria provided, single submitter. Criteria: ACMG Guidelines, 2015. Collection method: clinical testing. Allele origin: germline.
Comment: Null variant in a gene where loss of function (LOF) is a known mechanism of disease.;Absent from controls (or at extremely low frequency if recessive) in Genome Aggregation Database.;Patient's phenotype or family history is highly specific for a disease with a single genetic etiology.

Literature cited by the submitters: PubMed 12112660 (cited by 3billion and Labcorp Genetics (formerly Invitae), Labcorp); PubMed 10712197 (cited by Labcorp Genetics (formerly Invitae), Labcorp); PubMed 23913538 (cited by Labcorp Genetics (formerly Invitae), Labcorp); PubMed 16786508 (cited by Labcorp Genetics (formerly Invitae), Labcorp).

NM_001042492.3(NF1):c.7255_7256del (p.Leu2419fs)

Gene: NF1 (neurofibromin 1; plus strand). Cytogenetic location: 17q11.2.
Variant type: Microsatellite.
Coding change: c.7255_7256del on transcript NM_001042492.3 (MANE Select); coding-DNA positions 7255 to 7256, 2 bases deleted (CT; older notation c.7255_7256delCT).
Protein change: p.Leu2419fs; shifts the reading frame from leucine 2419.
Molecular consequence: frameshift variant.
Genome position (GRCh38, 1-based): chr17:31,349,185-31,349,186, CT deleted; deleting any 2 consecutive bases within chr17:31,349,183-31,349,186 gives the same sequence; the c. name uses the placement nearest the transcript's 3' end. VCF-style (leftmost placement, unchanged base first): chr17-31349182-ACT-A. GRCh37 (hg19) VCF-style: chr17-29676200-ACT-A.
Other names: c.7190_7191CT[1], p.Leu2398Glyfs (NM_000267.4); c.7192_7193delCT (NM_000267.3); short protein forms L2398fs, L2419fs.
Identifiers: ClinVar variation 661667 (VCV000661667.33), dbSNP rs1597858459, ClinGen allele CA658761016.